The following is an entry in ClinVar:

ClinVar aggregate classification (germline): Uncertain significance (1 of 4 stars; one submission).

Submission:

Labcorp Genetics (formerly Invitae), Labcorp
Classification: Uncertain significance. Last evaluated: 2024-11-10. Review status: criteria provided, single submitter. Criteria: Invitae Variant Classification Sherloc (09022015). Collection method: clinical testing. Allele origin: germline.
Comment: This sequence change replaces alanine, which is neutral and non-polar, with glycine, which is neutral and non-polar, at codon 247 of the PRKCSH protein (p.Ala247Gly). This variant is not present in population databases (gnomAD no frequency). This variant has not been reported in the literature in individuals affected with PRKCSH-related conditions. An algorithm developed to predict the effect of missense changes on protein structure and function (PolyPhen-2) suggests that this variant is likely to be tolerated. Algorithms developed to predict the effect of sequence changes on RNA splicing suggest that this variant may disrupt the consensus splice site. In summary, the available evidence is currently insufficient to determine the role of this variant in disease. Therefore, it has been classified as a Variant of Uncertain Significance.

NM_001289104.2(PRKCSH):c.740C>G (p.Ala247Gly)

Gene: PRKCSH (PRKCSH beta subunit of glucosidase II; plus strand). Cytogenetic location: 19p13.2.
Variant type: single nucleotide variant.
Coding change: c.740C>G on transcript NM_001289104.2 (MANE Select); coding-DNA position 740, C replaced by G.
Protein change: p.Ala247Gly; replaces alanine 247 with glycine.
Molecular consequence: missense variant.
Genome position (GRCh38, 1-based): chr19:11,446,328, C>G. VCF-style: chr19-11446328-C-G. GRCh37 (hg19) VCF-style: chr19-11557143-C-G.
Other names: c.740C>G, p.Ala247Gly (NM_001001329.3, NM_001289102.2, NM_001289103.2 and 3 more transcripts); short protein forms A247G.
Identifiers: ClinVar variation 3724457 (VCV003724457.2).
Genomic context (GRCh38, chr19:11,446,328, plus strand): 5'-GCAGGGTCTCGGTGACTGAGCTGCAGACTCACCCGGAGCTGGACACAGATGGGGATGGGG[C>G]GTTGTCAGAAGCGGAAGCTCAGGTACCCCCGGCTGCCCCTTGGTTGGGGACTTCTAGGGA-3'
Protein context (NP_001276033.1, residues 237-257): HPELDTDGDG[Ala247Gly]LSEAEAQALL